The following is an entry in ClinVar:

ClinVar aggregate classification (germline): Conflicting classifications of pathogenicity. Review status: criteria provided, conflicting classifications (1 of 4 stars). 5 submissions from 5 submitters: Likely pathogenic (4); Uncertain significance (1). Last evaluated 2026-09-01.

Conditions:
Inborn genetic diseases. Identifiers: MedGen C0950123, MeSH D030342.
Oculocutaneous albinism type 4 (OCA4). Also called: Albinism, oculocutaneous, type IV. Identifiers: Orphanet 79435, MedGen C1847836, MONDO:0011683, OMIM 606574.
SLC45A2-related disorder. Also called: SLC45A2-related condition.

Allele frequency attached by ClinVar (database versions not stated): gnomAD 0.00001; gnomAD exomes 0.00001 and 0.00002; TOPMed 0.00001; ExAC 0.00003.
gnomAD v4.1: 15 of 1,614,074 alleles (0.00093%); highest among the groups gnomAD compares: African/African-American, 0.0027%; no homozygotes.

Submissions (5):

PreventionGenetics, part of Exact Sciences
Classification: Likely pathogenic for SLC45A2-related condition. Last evaluated: 2026-09-01. Review status: criteria provided, single submitter. Criteria: ACMG Guidelines, 2015. Collection method: clinical testing. Allele origin: germline.
Comment: The SLC45A2 c.454T>C variant is predicted to result in the amino acid substitution p.Phe152Leu. This variant has been reported with another SLC45A2 variant in multiple individuals with oculocutaneous albinism (Table S5, Lasseaux et al. 2018. PubMed ID: 29345414; Table S3, Loftus et al. 2023. PubMed ID: 37327787; PreventionGenetics internal data). This variant is present in 0.0040% of alleles in individuals of African descent in gnomAD, and has been classified as likely pathogenic by multiple independent submitters to ClinVar (Variation ID: 521030). Given the evidence, we interpret this variant as likely pathogenic.

Women's Health and Genetics/Laboratory Corporation of America, LabCorp
Classification: Likely pathogenic for Oculocutaneous albinism type 4. Last evaluated: 2025-04-07. Review status: criteria provided, single submitter. Criteria: LabCorp Variant Classification Summary - May 2015. Collection method: clinical testing. Allele origin: germline.
Comment: Variant summary: SLC45A2 c.454T>C (p.Phe152Leu) results in a non-conservative amino acid change in the encoded protein sequence. Three of five in-silico tools predict a benign effect of the variant on protein function. The variant allele was found at a frequency of 1.6e-05 in 251460 control chromosomes. c.454T>C has been reported in the literature in compound heterozygous individuals affected with Oculocutaneous albinism type 4 (example: Lasseaux_2018, Loftus_2023, Internal data). These data indicate that the variant may be associated with disease. To our knowledge, no experimental evidence demonstrating an impact on protein function has been reported. The following publications have been ascertained in the context of this evaluation (PMID: 29345414, 37327787). ClinVar contains an entry for this variant (Variation ID: 521030). Based on the evidence outlined above, the variant was classified as likely pathogenic.

Labcorp Genetics (formerly Invitae), Labcorp
Classification: Likely pathogenic. Last evaluated: 2023-11-13. Review status: criteria provided, single submitter. Criteria: Invitae Variant Classification Sherloc (09022015). Collection method: clinical testing. Allele origin: germline.
Comment: This sequence change replaces phenylalanine, which is neutral and non-polar, with leucine, which is neutral and non-polar, at codon 152 of the SLC45A2 protein (p.Phe152Leu). This variant is present in population databases (rs202120684, gnomAD 0.004%). This missense change has been observed in individual(s) with SLC45A2-related conditions (PMID: 29345414; Invitae). In at least one individual the data is consistent with being in trans (on the opposite chromosome) from a pathogenic variant. ClinVar contains an entry for this variant (Variation ID: 521030). Advanced modeling of protein sequence and biophysical properties (such as structural, functional, and spatial information, amino acid conservation, physicochemical variation, residue mobility, and thermodynamic stability) performed at Invitae indicates that this missense variant is not expected to disrupt SLC45A2 protein function with a negative predictive value of 80%. In summary, the currently available evidence indicates that the variant is pathogenic, but additional data are needed to prove that conclusively. Therefore, this variant has been classified as Likely Pathogenic.

Blueprint Genetics
Classification: Uncertain significance. Last evaluated: 2022-05-17. Review status: criteria provided, single submitter. Criteria: ACMG Guidelines, 2015. Collection method: clinical testing. Allele origin: germline.

Ambry Genetics
Classification: Likely pathogenic for Inborn genetic diseases. Last evaluated: 2016-03-30. Review status: criteria provided, single submitter. Criteria: Ambry exome assertion method (8-5-2015). Collection method: clinical testing. Allele origin: germline. Affected: yes. Observed: 1 variant allele.

Literature cited by the submitters: PubMed 29345414 (cited by Women's Health and Genetics/Laboratory Corporation of America, LabCorp and Labcorp Genetics (formerly Invitae), Labcorp); PubMed 37327787 (cited by Women's Health and Genetics/Laboratory Corporation of America, LabCorp).

NM_016180.5(SLC45A2):c.454T>C (p.Phe152Leu)

Gene: SLC45A2 (solute carrier family 45 member 2; minus strand). Cytogenetic location: 5p13.2.
Variant type: single nucleotide variant.
Coding change: c.454T>C on transcript NM_016180.5 (MANE Select); coding-DNA position 454, T replaced by C.
Protein change: p.Phe152Leu; replaces phenylalanine 152 with leucine.
Molecular consequence: missense variant.
Genome position (GRCh38, 1-based): chr5:33,982,344, A>G on the plus strand (T>C on the coding strand, the complement: SLC45A2 is on the minus strand). VCF-style: chr5-33982344-A-G. GRCh37 (hg19) VCF-style: chr5-33982449-A-G.
Other names: c.454T>C, p.Phe152Leu (NM_001012509.4, NM_001297417.4); c.454T>C (NM_016180.4); short protein forms F152L.
Identifiers: ClinVar variation 521030 (VCV000521030.12), dbSNP rs202120684, ClinGen allele CA3225786.